The following is an entry in ClinVar:

NM_020822.3(KCNT1):c.2695G>T (p.Ala899Ser)

Gene: KCNT1 (potassium sodium-activated channel subfamily T member 1; plus strand). Cytogenetic location: 9q34.3.
Variant type: single nucleotide variant.
Coding change: c.2695G>T on transcript NM_020822.3 (MANE Select); coding-DNA position 2695, G replaced by T.
Protein change: p.Ala899Ser; replaces alanine 899 with serine.
Molecular consequence: missense variant.
Genome position (GRCh38, 1-based): chr9:135,778,788, G>T. VCF-style: chr9-135778788-G-T. GRCh37 (hg19) VCF-style: chr9-138670634-G-T.
Other names: c.2560G>T, p.Ala854Ser (NM_001272003.2); short protein forms A854S, A899S.
Identifiers: ClinVar variation 2100183 (VCV002100183.5), dbSNP rs778647834, ClinGen allele CA375514747.

ClinVar aggregate classification (germline): Uncertain significance. Review status: criteria provided, multiple submitters, no conflicts (2 of 4 stars). 2 submissions from 2 submitters: Uncertain significance (2). Last evaluated 2024-12-16.

Conditions:
Autosomal dominant nocturnal frontal lobe epilepsy 5. Also called: Epilepsy, nocturnal frontal lobe, 5; CILIARY DYSKINESIA, PRIMARY, 28, WITHOUT SITUS INVERSUS; CILIARY DYSKINESIA, PRIMARY, 28, WITH SITUS INVERSUS; KCNT1-Related Epilepsy. Identifiers: Orphanet 98784, MedGen C3554306, MONDO:0014002, OMIM 615005.
Developmental and epileptic encephalopathy, 14 (DEE14). Also called: Early infantile epileptic encephalopathy 14. Identifiers: Orphanet 293181, MedGen C3554195, MONDO:0013989, OMIM 614959.

Submissions (2):

Labcorp Genetics (formerly Invitae), Labcorp
Classification: Uncertain significance for Autosomal dominant nocturnal frontal lobe epilepsy 5; Developmental and epileptic encephalopathy, 14. Last evaluated: 2024-12-16. Review status: criteria provided, single submitter. Criteria: Invitae Variant Classification Sherloc (09022015). Collection method: clinical testing. Allele origin: germline.
Comment: This sequence change replaces alanine, which is neutral and non-polar, with serine, which is neutral and polar, at codon 899 of the KCNT1 protein (p.Ala899Ser). This variant is not present in population databases (gnomAD no frequency). This variant has not been reported in the literature in individuals affected with KCNT1-related conditions. ClinVar contains an entry for this variant (Variation ID: 2100183). Invitae Evidence Modeling of protein sequence and biophysical properties (such as structural, functional, and spatial information, amino acid conservation, physicochemical variation, residue mobility, and thermodynamic stability) indicates that this missense variant is not expected to disrupt KCNT1 protein function with a negative predictive value of 80%. This variant disrupts the p.Ala899 amino acid residue in KCNT1. Other variant(s) that disrupt this residue have been determined to be pathogenic (PMID: 29933521, 34380004, 35715422). This suggests that this residue is clinically significant, and that variants that disrupt this residue are likely to be disease-causing. In summary, the available evidence is currently insufficient to determine the role of this variant in disease. Therefore, it has been classified as a Variant of Uncertain Significance.

Blueprint Genetics
Classification: Uncertain significance. Last evaluated: 2021-11-15. Review status: criteria provided, single submitter. Criteria: ACMG Guidelines, 2015. Collection method: clinical testing. Allele origin: germline.

Literature cited by the submitters: PubMed 29933521 (cited by Labcorp Genetics (formerly Invitae), Labcorp); PubMed 34380004 (cited by Labcorp Genetics (formerly Invitae), Labcorp); PubMed 35715422 (cited by Labcorp Genetics (formerly Invitae), Labcorp).